The following is an entry in ClinVar:

ClinVar aggregate classification (germline): Benign. Review status: criteria provided, multiple submitters, no conflicts (2 of 4 stars). 4 submissions from 4 submitters: Benign (3). 1 of the submissions does not count toward it. Last evaluated 2024-11-26.

Conditions:
TARS1-related disorder. Also called: TARS1-related condition.
Trichothiodystrophy 7, nonphotosensitive. Identifiers: MedGen C5231403, MONDO:0032806, OMIM 618546.

Allele frequency attached by ClinVar (database versions not stated): ESP Exome Variant Server 0.04736; ExAC 0.08758; gnomAD exomes 0.09094; 1000 Genomes Project 30x 0.11977; 1000 Genomes Project 0.12220.
gnomAD v4.1: 93,762 of 1,613,548 alleles (5.8%); highest among the groups gnomAD compares: East Asian, 22%; 4,557 homozygotes.

Submissions (4):

Blueprint Genetics
Classification: Benign. Last evaluated: 2024-11-26. Review status: criteria provided, single submitter. Criteria: ACMG Guidelines, 2015. Collection method: clinical testing. Allele origin: germline.

Genome-Nilou Lab
Classification: Benign for Trichothiodystrophy 7, nonphotosensitive. Last evaluated: 2021-07-15. Review status: criteria provided, single submitter. Criteria: ACMG Guidelines, 2015. Collection method: clinical testing. Allele origin: germline. Affected: no.

Breakthrough Genomics
Classification: Benign. Review status: criteria provided, single submitter. Criteria: ACMG Guidelines, 2015. Collection method: not provided. Allele origin: germline. Inheritance: Autosomal recessive inheritance. Affected: yes.

PreventionGenetics, part of Exact Sciences
Classification: Benign for TARS1-related condition. Last evaluated: 2019-12-30. Review status: no assertion criteria provided. Collection method: clinical testing. Allele origin: germline. Not counted in ClinVar's aggregate classification.
Comment: This variant is classified as benign based on ACMG/AMP sequence variant interpretation guidelines (Richards et al. 2015 PMID: 25741868, with internal and published modifications).

NM_152295.5(TARS1):c.1653G>A (p.Ala551=)

Gene: TARS1 (threonyl-tRNA synthetase 1; plus strand). Cytogenetic location: 5p13.3.
Variant type: single nucleotide variant.
Coding change: c.1653G>A on transcript NM_152295.5 (MANE Select); coding-DNA position 1653, G replaced by A.
Protein change: p.Ala551=; no amino-acid change (alanine 551 retained).
Molecular consequence: synonymous variant. On other transcripts: non-coding transcript variant (3).
Genome position (GRCh38, 1-based): chr5:33,461,929, G>A. VCF-style: chr5-33461929-G-A. GRCh37 (hg19) VCF-style: chr5-33462034-G-A.
Other names: c.1752G>A (NM_001258438.1); c.1653G>A, p.Ala551= (NM_001258437.1); c.1752G>A, p.Ala584= (NM_001258438.2).
Identifiers: ClinVar variation 1334926 (VCV001334926.6), dbSNP rs3736393, ClinGen allele CA3223437.
Genomic context (GRCh38, chr5:33,461,929, plus strand): 5'-ACTGGCATTTTATAATAACCCAGTCTTTGCTTCTTAGATTGACATACAGATTAAAGATGC[G>A]ATTGGGCGGTACCACCAGTGTGCAACCATCCAGCTGGATTTCCAGTTGCCCATCAGATTT-3'
Protein context (NP_689508.3, residues 541-561): GPKIDIQIKD[Ala551=]IGRYHQCATI